The following is an entry in ClinVar:

ClinVar aggregate classification (germline): Uncertain significance. Review status: criteria provided, multiple submitters, no conflicts (2 of 4 stars). 4 submissions from 4 submitters: Uncertain significance (4). Last evaluated 2025-03-20.

Conditions:
Developmental and epileptic encephalopathy, 12 (DEE12). Identifiers: MedGen C3150988, MONDO:0013389, OMIM 613722.
Inborn genetic diseases. Identifiers: MedGen C0950123, MeSH D030342.

Allele frequency attached by ClinVar (database versions not stated): ExAC 0.00001; gnomAD exomes 0.00001; gnomAD 0.00002; TOPMed 0.00002.
gnomAD v4.1: 85 of 1,613,752 alleles (0.0053%); highest among the groups gnomAD compares: Non-Finnish European, 0.0069%; no homozygotes.

Submissions (4):

GeneDx
Classification: Uncertain significance. Last evaluated: 2025-03-20. Review status: criteria provided, single submitter. Criteria: GeneDx Variant Classification Process June 2021. Collection method: clinical testing. Allele origin: germline. Affected: yes.
Comment: Not observed at significant frequency in large population cohorts (gnomAD); In silico analysis supports that this missense variant has a deleterious effect on protein structure/function; Has not been previously published as pathogenic or benign to our knowledge; This variant is associated with the following publications: (PMID: 22508754)

Mayo Clinic Laboratories, Mayo Clinic
Classification: Uncertain significance. Last evaluated: 2023-06-22. Review status: criteria provided, single submitter. Criteria: ACMG Guidelines, 2015. Collection method: clinical testing. Allele origin: germline. Observed: 1 variant allele.
Comment: PM2_moderate

Labcorp Genetics (formerly Invitae), Labcorp
Classification: Uncertain significance for Developmental and epileptic encephalopathy, 12. Last evaluated: 2022-07-29. Review status: criteria provided, single submitter. Criteria: Invitae Variant Classification Sherloc (09022015). Collection method: clinical testing. Allele origin: germline.
Comment: This sequence change replaces proline, which is neutral and non-polar, with serine, which is neutral and polar, at codon 374 of the PNKP protein (p.Pro374Ser). This variant is present in population databases (rs760583725, gnomAD 0.002%). This variant has not been reported in the literature in individuals affected with PNKP-related conditions. ClinVar contains an entry for this variant (Variation ID: 574517). Algorithms developed to predict the effect of missense changes on protein structure and function (SIFT, PolyPhen-2, Align-GVGD) all suggest that this variant is likely to be disruptive. In summary, the available evidence is currently insufficient to determine the role of this variant in disease. Therefore, it has been classified as a Variant of Uncertain Significance.

Ambry Genetics
Classification: Uncertain significance for Inborn genetic diseases. Last evaluated: 2019-11-01. Review status: criteria provided, single submitter. Criteria: Ambry Variant Classification Scheme 2023. Collection method: clinical testing. Allele origin: germline.
Comment: The p.P374S variant (also known as c.1120C>T), located in coding exon 11 of the PNKP gene, results from a C to T substitution at nucleotide position 1120. The proline at codon 374 is replaced by serine, an amino acid with similar properties. This amino acid position is highly conserved in available vertebrate species. In addition, this alteration is predicted to be deleterious by in silico analysis. Since supporting evidence is limited at this time, the clinical significance of this alteration remains unclear.

NM_007254.4(PNKP):c.1120C>T (p.Pro374Ser)

Gene: PNKP (polynucleotide kinase 3'-phosphatase; minus strand). Cytogenetic location: 19q13.33.
Variant type: single nucleotide variant.
Coding change: c.1120C>T on transcript NM_007254.4 (MANE Select); coding-DNA position 1120, C replaced by T.
Protein change: p.Pro374Ser; replaces proline 374 with serine.
Molecular consequence: missense variant.
Genome position (GRCh38, 1-based): chr19:49,862,191, G>A on the plus strand (C>T on the coding strand, the complement: PNKP is on the minus strand). VCF-style: chr19-49862191-G-A. GRCh37 (hg19) VCF-style: chr19-50365448-G-A.
Other names: p.Pro374Ser; short protein forms P374S.
Identifiers: ClinVar variation 574517 (VCV000574517.14), dbSNP rs760583725, ClinGen allele CA9586609.